The following is an entry in ClinVar:

ClinVar aggregate classification (germline): Uncertain significance. Review status: criteria provided, multiple submitters, no conflicts (2 of 4 stars). 2 submissions from 2 submitters: Uncertain significance (2). Last evaluated 2024-05-23.

Allele frequency attached by ClinVar (database versions not stated): gnomAD 0.00001; TOPMed 0.00001; gnomAD exomes 0.00002; ExAC 0.00010.
gnomAD v4.1: 23 of 1,538,202 alleles (0.0015%); highest among the groups gnomAD compares: Non-Finnish European, 0.0019%; no homozygotes.

Submissions (2):

Labcorp Genetics (formerly Invitae), Labcorp
Classification: Uncertain significance. Last evaluated: 2024-05-23. Review status: criteria provided, single submitter. Criteria: Invitae Variant Classification Sherloc (09022015). Collection method: clinical testing. Allele origin: germline.
Comment: This sequence change replaces proline, which is neutral and non-polar, with serine, which is neutral and polar, at codon 421 of the RIMS1 protein (p.Pro421Ser). This variant is present in population databases (rs757531469, gnomAD 0.007%). This missense change has been observed in individual(s) with clinical features of RIMS1-related conditions (Invitae). ClinVar contains an entry for this variant (Variation ID: 1007102). An algorithm developed to predict the effect of missense changes on protein structure and function (PolyPhen-2) suggests that this variant is likely to be tolerated. In summary, the available evidence is currently insufficient to determine the role of this variant in disease. Therefore, it has been classified as a Variant of Uncertain Significance.

Ambry Genetics
Classification: Uncertain significance. Last evaluated: 2022-10-06. Review status: criteria provided, single submitter. Criteria: Ambry Variant Classification Scheme 2023. Collection method: clinical testing. Allele origin: germline.

NM_014989.7(RIMS1):c.1261C>T (p.Pro421Ser)

Gene: RIMS1 (regulating synaptic membrane exocytosis 1; plus strand). Cytogenetic location: 6q13.
Variant type: single nucleotide variant.
Coding change: c.1261C>T on transcript NM_014989.7 (MANE Select); coding-DNA position 1261, C replaced by T.
Protein change: p.Pro421Ser; replaces proline 421 with serine.
Molecular consequence: missense variant.
Genome position (GRCh38, 1-based): chr6:72,182,732, C>T. VCF-style: chr6-72182732-C-T. GRCh37 (hg19) VCF-style: chr6-72892435-C-T.
Other names: c.1261C>T (NM_014989.4); short protein forms P421S.
Identifiers: ClinVar variation 1007102 (VCV001007102.7), dbSNP rs757531469, ClinGen allele CA3885667.